The following is an entry in ClinVar:

ClinVar aggregate classification (germline): Uncertain significance. Review status: criteria provided, multiple submitters, no conflicts (2 of 4 stars). 7 submissions from 7 submitters: Uncertain significance (7). Last evaluated 2025-06-18.

Conditions:
FLNB-Related Spectrum Disorders.
Inborn genetic diseases. Identifiers: MedGen C0950123, MeSH D030342.
Larsen syndrome (LRS). Also called: Bilateral dislocation of the knees, pes cavus, cylindrically shaped fingers and characteristic facies; Larsen syndrome (FLNB-LS). Identifiers: Orphanet 503, MedGen C0175778, MONDO:0007875, OMIM 150250. Disease mechanism: loss of function.
Atelosteogenesis type III. Also called: Atelosteogenesis Type 3 (FLNB-AO3). Identifiers: Orphanet 56305, MedGen C3668942, MONDO:0007168, OMIM 108721.
Spondylocarpotarsal synostosis syndrome (SCT). Also called: SPONDYLOCARPOTARSAL SYNDROME; VERTEBRAL FUSION WITH CARPAL COALITION; Spondylocarpotarsal Synostosis Syndrome (FLNB-SCT); Synspondylism congenital; Scoliosis, congenital with unilateral unsegmented bar. Identifiers: Orphanet 3275, MedGen C1848934, MONDO:0010094, OMIM 272460.
Boomerang dysplasia. Identifiers: Orphanet 1263, MedGen C0432201, MONDO:0007208, OMIM 112310.
Atelosteogenesis type I. Also called: SPONDYLOHUMEROFEMORAL HYPOPLASIA; GIANT CELL CHONDRODYSPLASIA; Atelosteogenesis Type 1 (FLNB-AO1). Identifiers: Orphanet 1190, MedGen C0265283, MONDO:0007167, OMIM 108720.

Allele frequency attached by ClinVar (database versions not stated): gnomAD exomes below 0.00001; TOPMed 0.00001.
gnomAD v4.1: 18 of 1,613,988 alleles (0.0011%); highest among the groups gnomAD compares: Middle Eastern, 0.18%; no homozygotes.

Submissions (7):

Ambry Genetics
Classification: Uncertain significance for Inborn genetic diseases. Last evaluated: 2025-06-18. Review status: criteria provided, single submitter. Criteria: Ambry Variant Classification Scheme 2023. Collection method: clinical testing. Allele origin: germline.

Labcorp Genetics (formerly Invitae), Labcorp
Classification: Uncertain significance. Last evaluated: 2024-06-26. Review status: criteria provided, single submitter. Criteria: Invitae Variant Classification Sherloc (09022015). Collection method: clinical testing. Allele origin: germline.
Comment: This sequence change replaces glycine, which is neutral and non-polar, with alanine, which is neutral and non-polar, at codon 1464 of the FLNB protein (p.Gly1464Ala). This variant is not present in population databases (gnomAD no frequency). This variant has not been reported in the literature in individuals affected with FLNB-related conditions. ClinVar contains an entry for this variant (Variation ID: 289425). An algorithm developed to predict the effect of missense changes on protein structure and function (PolyPhen-2) suggests that this variant is likely to be disruptive. In summary, the available evidence is currently insufficient to determine the role of this variant in disease. Therefore, it has been classified as a Variant of Uncertain Significance.

CeGaT Center for Human Genetics Tuebingen
Classification: Uncertain significance. Last evaluated: 2024-06-01. Review status: criteria provided, single submitter. Criteria: CeGaT Center For Human Genetics Tuebingen Variant Classification Criteria Version 2. Collection method: clinical testing. Allele origin: germline. Affected: yes. Observed: 1 variant allele.
Comment: FLNB: PM2

Fulgent Genetics
Classification: Uncertain significance for Atelosteogenesis type I; Atelosteogenesis type III; Boomerang dysplasia; Larsen syndrome; Spondylocarpotarsal synostosis syndrome. Last evaluated: 2018-10-31. Review status: criteria provided, single submitter. Criteria: ACMG Guidelines, 2015. Collection method: clinical testing. Allele origin: unknown.

Illumina Laboratory Services, Illumina
Classification: Uncertain significance for FLNB-Related Spectrum Disorders. Last evaluated: 2018-01-12. Review status: criteria provided, single submitter. Criteria: ICSL Variant Classification Criteria 13 December 2019. Collection method: clinical testing. Allele origin: germline.

Eurofins Ntd Llc (ga)
Classification: Uncertain significance. Last evaluated: 2016-08-30. Review status: criteria provided, single submitter. Criteria: EGL Classification Definitions 2015. Collection method: clinical testing. Allele origin: germline. Observed: 1 variant allele, 1 heterozygote.

Breakthrough Genomics
Classification: Uncertain significance. Review status: criteria provided, single submitter. Criteria: ACMG Guidelines, 2015. Collection method: not provided. Allele origin: germline. Inheritance: Autosomal recessive inheritance. Affected: yes.

NM_001457.4(FLNB):c.4391G>C (p.Gly1464Ala)

Gene: FLNB (filamin B; plus strand). Cytogenetic location: 3p14.3.
Variant type: single nucleotide variant.
Coding change: c.4391G>C on transcript NM_001457.4 (MANE Select); coding-DNA position 4391, G replaced by C.
Protein change: p.Gly1464Ala; replaces glycine 1464 with alanine.
Molecular consequence: missense variant.
Genome position (GRCh38, 1-based): chr3:58,132,808, G>C. VCF-style: chr3-58132808-G-C. GRCh37 (hg19) VCF-style: chr3-58118535-G-C.
Other names: c.4484G>C, p.Gly1495Ala (NM_001164317.2); c.4391G>C, p.Gly1464Ala (NM_001164318.2, NM_001164319.2); short protein forms G1464A, G1495A.
Identifiers: ClinVar variation 289425 (VCV000289425.37), dbSNP rs886044175, ClinGen allele CA10606441.